The following is an entry in ClinVar:

NM_000069.3(CACNA1S):c.2275C>A (p.Arg759Ser)

Gene: CACNA1S (calcium voltage-gated channel subunit alpha1 S; minus strand). Cytogenetic location: 1q32.1.
Variant type: single nucleotide variant.
Coding change: c.2275C>A on transcript NM_000069.3 (MANE Select); coding-DNA position 2275, C replaced by A.
Protein change: p.Arg759Ser; replaces arginine 759 with serine.
Molecular consequence: missense variant.
Genome position (GRCh38, 1-based): chr1:201,070,357, G>T on the plus strand (C>A on the coding strand, the complement: CACNA1S is on the minus strand). VCF-style: chr1-201070357-G-T. GRCh37 (hg19) VCF-style: chr1-201039485-G-T.
Other names: short protein forms R759S.
Identifiers: ClinVar variation 3072545 (VCV003072545.1), dbSNP rs777247285, ClinGen allele CA344109239.

ClinVar aggregate classification (germline): Uncertain significance (1 of 4 stars; one submission).

Conditions:
Malignant hyperthermia, susceptibility to, 5 (MHS5). Also called: CACNA1S-Related Malignant Hyperthermia Susceptibility. Identifiers: Orphanet 423, MedGen C1866077, MONDO:0011163, OMIM 601887.

Submission:

All of Us Research Program, National Institutes of Health
Classification: Uncertain significance for Malignant hyperthermia, susceptibility to, 5. Last evaluated: 2023-08-15. Review status: criteria provided, single submitter. Criteria: ACMG Guidelines, 2015. Collection method: clinical testing. Allele origin: germline. Inheritance: Autosomal dominant inheritance. Observed: 1 variant allele, 1 heterozygote.
Comment: This study involves interpretation of variants in research participants for the purpose of population health screening. Participant phenotype was not available at the time of variant classification. Additional details can be found in publication PMID: 35346344, PMCID: PMC8962531